The following is an entry in ClinVar:

NM_024529.5(CDC73):c.513-10T>C

Gene: CDC73 (cell division cycle 73; plus strand). Cytogenetic location: 1q31.2.
Variant type: single nucleotide variant.
Coding change: c.513-10T>C on transcript NM_024529.5 (MANE Select); 10 bases into the intron before coding-DNA position 513, T replaced by C.
Molecular consequence: intron variant.
Genome position (GRCh38, 1-based): chr1:193,141,840, T>C. VCF-style: chr1-193141840-T-C. GRCh37 (hg19) VCF-style: chr1-193110970-T-C.
Identifiers: ClinVar variation 2963196 (VCV002963196.3), dbSNP rs2527324252, ClinGen allele CA2740090430.
Genomic context (GRCh38, chr1:193,141,840, plus strand): 5'-TAACAAAATATATTTATGATACACTCCAGGAATGCCTGCTGTGAAAATTTAAAAAAGAAA[T>C]TGCTTTTAGGTCTTTGTCTGAAGCTATGTCAGTGGAAAAAATTGCTGCAATCAAAGCCAA-3'

ClinVar aggregate classification (germline): Uncertain significance (1 of 4 stars; one submission).

Conditions:
Parathyroid carcinoma (PRTC). Also called: CDC73-Related Parathyroid Carcinoma; Parathyroid gland carcinoma. Identifiers: Orphanet 143, MedGen C0687150, MONDO:0012004, OMIM 608266, HP:0006780.

Submission:

Labcorp Genetics (formerly Invitae), Labcorp
Classification: Uncertain significance for Parathyroid carcinoma. Last evaluated: 2022-11-24. Review status: criteria provided, single submitter. Criteria: Invitae Variant Classification Sherloc (09022015). Collection method: clinical testing. Allele origin: germline.
Comment: In summary, the available evidence is currently insufficient to determine the role of this variant in disease. Therefore, it has been classified as a Variant of Uncertain Significance. Algorithms developed to predict the effect of sequence changes on RNA splicing suggest that this variant may create or strengthen a splice site. This variant has not been reported in the literature in individuals affected with CDC73-related conditions. This variant is not present in population databases (gnomAD no frequency). This sequence change falls in intron 6 of the CDC73 gene. It does not directly change the encoded amino acid sequence of the CDC73 protein.